The following is an entry in ClinVar:

ClinVar aggregate classification (germline): Uncertain significance (1 of 4 stars; one submission).

Conditions:
Inflammatory skin and bowel disease, neonatal, 1. Identifiers: Orphanet 294023, MedGen C3280501, MONDO:0013693, OMIM 614328.

Allele frequency attached by ClinVar (database versions not stated): gnomAD exomes below 0.00001.
gnomAD v4.1: 2 of 1,596,698 alleles (0.00013%); highest among the groups gnomAD compares: South Asian, 0.0011%; no homozygotes.

Submission:

Labcorp Genetics (formerly Invitae), Labcorp
Classification: Uncertain significance for Inflammatory skin and bowel disease, neonatal, 1. Last evaluated: 2019-09-10. Review status: criteria provided, single submitter. Criteria: Invitae Variant Classification Sherloc (09022015). Collection method: clinical testing. Allele origin: germline.
Comment: This variant has not been reported in the literature in individuals with ADAM17-related conditions. In summary, the available evidence is currently insufficient to determine the role of this variant in disease. Therefore, it has been classified as a Variant of Uncertain Significance. Algorithms developed to predict the effect of missense changes on protein structure and function (SIFT, PolyPhen-2, Align-GVGD) all suggest that this variant is likely to be tolerated, but these predictions have not been confirmed by published functional studies and their clinical significance is uncertain. This variant is not present in population databases (ExAC no frequency). This sequence change replaces isoleucine with valine at codon 172 of the ADAM17 protein (p.Ile172Val). The isoleucine residue is highly conserved and there is a small physicochemical difference between isoleucine and valine.

NM_003183.6(ADAM17):c.514A>G (p.Ile172Val)

Gene: ADAM17 (ADAM metallopeptidase domain 17; minus strand). Cytogenetic location: 2p25.1.
Variant type: single nucleotide variant.
Coding change: c.514A>G on transcript NM_003183.6 (MANE Select); coding-DNA position 514, A replaced by G.
Protein change: p.Ile172Val; replaces isoleucine 172 with valine.
Molecular consequence: missense variant. On other transcripts: 5 prime UTR variant (2).
Genome position (GRCh38, 1-based): chr2:9,527,891, T>C on the plus strand (A>G on the coding strand, the complement: ADAM17 is on the minus strand). VCF-style: chr2-9527891-T-C. GRCh37 (hg19) VCF-style: chr2-9668020-T-C.
Other names: c.-167A>G (NM_001382777.1); c.-409A>G (NM_001382778.1); short protein forms I172V.
Identifiers: ClinVar variation 934942 (VCV000934942.8), dbSNP rs1664590884, ClinGen allele CA345784205.